The following is an entry in ClinVar:

ClinVar aggregate classification (germline): Conflicting classifications of pathogenicity. Review status: criteria provided, conflicting classifications (1 of 4 stars). 3 submissions from 3 submitters: Pathogenic (1); Uncertain significance (2). Last evaluated 2025-09-02.

Conditions:
Aortic valve disease 2 (AOVD2). Identifiers: MedGen C3542024, MONDO:0013902, OMIM 614823.

Submissions (3):

Labcorp Genetics (formerly Invitae), Labcorp
Classification: Uncertain significance for Aortic valve disease 2. Last evaluated: 2025-09-02. Review status: criteria provided, single submitter. Criteria: Invitae Variant Classification Sherloc (09022015). Collection method: clinical testing. Allele origin: germline.
Comment: This sequence change creates a premature translational stop signal (p.Ser130Glyfs*172) in the SMAD6 gene. It is expected to result in an absent or disrupted protein product. However, the current clinical and genetic evidence is not sufficient to establish whether loss-of-function variants in SMAD6 cause disease. This variant is not present in population databases (gnomAD no frequency). This variant has not been reported in the literature in individuals affected with SMAD6-related conditions. ClinVar contains an entry for this variant (Variation ID: 1694759). Experimental studies and prediction algorithms are not available or were not evaluated, and the functional significance of this variant is currently unknown. In summary, the available evidence is currently insufficient to determine the role of this variant in disease. Therefore, it has been classified as a Variant of Uncertain Significance.

Women's Health and Genetics/Laboratory Corporation of America, LabCorp
Classification: Uncertain significance. Last evaluated: 2025-05-27. Review status: criteria provided, single submitter. Criteria: LabCorp Variant Classification Summary - May 2015. Collection method: clinical testing. Allele origin: germline.
Comment: Variant summary: SMAD6 c.387_388delTT (p.Ser130GlyfsX172) results in a premature termination codon, predicted to cause a truncation of the encoded protein or absence of the protein due to nonsense mediated decay, however current evidence is not sufficient to establish loss of function as a mechanism for disease. The variant was absent in 29788 control chromosomes. The available data on variant occurrences in the general population are insufficient to allow any conclusion about variant significance. To our knowledge, no occurrence of c.387_388delTT in individuals affected with Aortic Valve Disease and no experimental evidence demonstrating its impact on protein function have been reported. ClinVar contains an entry for this variant (Variation ID: 1694759). Based on the evidence outlined above, the variant was classified as uncertain significance.

CeGaT Center for Human Genetics Tuebingen
Classification: Pathogenic. Last evaluated: 2022-05-01. Review status: criteria provided, single submitter. Criteria: CeGaT Center For Human Genetics Tuebingen Variant Classification Criteria Version 2. Collection method: clinical testing. Allele origin: germline. Affected: yes. Observed: 1 variant allele.
Comment: SMAD6: PVS1, PM2

NM_005585.5(SMAD6):c.387_388del (p.Ser130fs)

Gene: SMAD6 (SMAD family member 6; plus strand). Cytogenetic location: 15q22.31.
Variant type: Deletion.
Coding change: c.387_388del on transcript NM_005585.5 (MANE Select); coding-DNA positions 387 to 388, 2 bases deleted (TT; older notation c.387_388delTT).
Protein change: p.Ser130fs; shifts the reading frame from serine 130.
Molecular consequence: frameshift variant. On other transcripts: non-coding transcript variant (1).
Genome position (GRCh38, 1-based): chr15:66,703,645-66,703,646, TT deleted; deleting any 2 consecutive bases within chr15:66,703,643-66,703,646 gives the same sequence; the c. name uses the placement nearest the transcript's 3' end. VCF-style (leftmost placement, unchanged base first): chr15-66703642-CTT-C. GRCh37 (hg19) VCF-style: chr15-66995980-CTT-C.
Other names: c.387_388delTT (NM_005585.5); short protein forms S130fs.
Identifiers: ClinVar variation 1694759 (VCV001694759.34), dbSNP rs2140581496, ClinGen allele CA2580089923.